The following is an entry in ClinVar:

ClinVar aggregate classification (germline): Uncertain significance (1 of 4 stars; one submission).

Submission:

GeneDx
Classification: Uncertain significance. Last evaluated: 2023-12-07. Review status: criteria provided, single submitter. Criteria: GeneDx Variant Classification Process June 2021. Collection method: clinical testing. Allele origin: germline. Affected: yes.
Comment: Not observed at significant frequency in large population cohorts (gnomAD); In silico analysis supports that this missense variant has a deleterious effect on protein structure/function; Has not been previously published as pathogenic or benign to our knowledge

NM_198173.3(GRHL3):c.788T>G (p.Leu263Arg)

Gene: GRHL3 (grainyhead like transcription factor 3; plus strand). Cytogenetic location: 1p36.11.
Variant type: single nucleotide variant.
Coding change: c.788T>G on transcript NM_198173.3 (MANE Select); coding-DNA position 788, T replaced by G.
Protein change: p.Leu263Arg; replaces leucine 263 with arginine.
Molecular consequence: missense variant.
Genome position (GRCh38, 1-based): chr1:24,337,737, T>G. VCF-style: chr1-24337737-T-G. GRCh37 (hg19) VCF-style: chr1-24664227-T-G.
Other names: c.650T>G, p.Leu217Arg (NM_001195010.2); c.803T>G, p.Leu268Arg (NM_021180.4); c.788T>G, p.Leu263Arg (NM_198174.3); short protein forms L217R, L263R, L268R.
Identifiers: ClinVar variation 3252351 (VCV003252351.1), dbSNP rs2522619191.